The following is an entry in ClinVar:

NM_001204.7(BMPR2):c.2759T>C (p.Val920Ala)

Gene: BMPR2 (bone morphogenetic protein receptor type 2; plus strand). Cytogenetic location: 2q33.2.
Variant type: single nucleotide variant.
Coding change: c.2759T>C on transcript NM_001204.7 (MANE Select); coding-DNA position 2759, T replaced by C.
Protein change: p.Val920Ala; replaces valine 920 with alanine.
Molecular consequence: missense variant.
Genome position (GRCh38, 1-based): chr2:202,556,424, T>C. VCF-style: chr2-202556424-T-C. GRCh37 (hg19) VCF-style: chr2-203421147-T-C.
Other names: short protein forms V920A.
Identifiers: ClinVar variation 3824730 (VCV003824730.1).

ClinVar aggregate classification (germline): Uncertain significance (1 of 4 stars; one submission).

Conditions:
Inborn genetic diseases. Identifiers: MedGen C0950123, MeSH D030342.

gnomAD v4.1: 8 of 1,613,946 alleles (0.0005%); highest among the groups gnomAD compares: African/African-American, 0.011%; no homozygotes.

Submission:

Ambry Genetics
Classification: Uncertain significance for Inborn genetic diseases. Last evaluated: 2024-12-14. Review status: criteria provided, single submitter. Criteria: Ambry Variant Classification Scheme 2023. Collection method: clinical testing. Allele origin: germline.
Comment: The p.V920A variant (also known as c.2759T>C), located in coding exon 12 of the BMPR2 gene, results from a T to C substitution at nucleotide position 2759. The valine at codon 920 is replaced by alanine, an amino acid with similar properties. This amino acid position is conserved. In addition, this alteration is predicted to be tolerated by in silico analysis. Based on the available evidence, the clinical significance of this variant remains unclear.